The following is an entry in ClinVar:

ClinVar aggregate classification (germline): Conflicting classifications of pathogenicity. Review status: criteria provided, conflicting classifications (1 of 4 stars). 2 submissions from 2 submitters: Uncertain significance (1); Likely benign (1). Last evaluated 2025-01-08.

Conditions:
Hereditary cancer-predisposing syndrome. Also called: Hereditary neoplastic syndrome; Neoplastic Syndromes, Hereditary; Tumor predisposition; Hereditary Cancer Syndrome. Identifiers: Orphanet 140162, MedGen C0027672, MeSH D009386, MONDO:0015356.
Hereditary diffuse gastric adenocarcinoma (HDGC). Also called: DIFFUSE GASTRIC AND LOBULAR BREAST CANCER SYNDROME. Identifiers: Orphanet 26106, MedGen C1708349, MONDO:0007648, OMIM 137215.

Submissions (2):

Ambry Genetics
Classification: Likely benign for Hereditary cancer-predisposing syndrome. Last evaluated: 2025-01-08. Review status: criteria provided, single submitter. Criteria: Ambry Variant Classification Scheme 2023. Collection method: clinical testing. Allele origin: germline.

Labcorp Genetics (formerly Invitae), Labcorp
Classification: Uncertain significance for Hereditary diffuse gastric adenocarcinoma. Last evaluated: 2022-02-19. Review status: criteria provided, single submitter. Criteria: Invitae Variant Classification Sherloc (09022015). Collection method: clinical testing. Allele origin: germline.
Comment: This variant is not present in population databases (gnomAD no frequency). In summary, the available evidence is currently insufficient to determine the role of this variant in disease. Therefore, it has been classified as a Variant of Uncertain Significance. Algorithms developed to predict the effect of missense changes on protein structure and function are either unavailable or do not agree on the potential impact of this missense change (SIFT: "Deleterious"; PolyPhen-2: "Benign"; Align-GVGD: "Class C0"). ClinVar contains an entry for this variant (Variation ID: 483252). This variant has not been reported in the literature in individuals affected with CDH1-related conditions. This sequence change replaces serine, which is neutral and polar, with glycine, which is neutral and non-polar, at codon 306 of the CDH1 protein (p.Ser306Gly).

NM_004360.5(CDH1):c.916A>G (p.Ser306Gly)

Gene: CDH1 (cadherin 1; plus strand). Cytogenetic location: 16q22.1.
Variant type: single nucleotide variant.
Coding change: c.916A>G on transcript NM_004360.5 (MANE Select); coding-DNA position 916, A replaced by G.
Protein change: p.Ser306Gly; replaces serine 306 with glycine.
Molecular consequence: missense variant. On other transcripts: 5 prime UTR variant (2).
Genome position (GRCh38, 1-based): chr16:68,811,767, A>G. VCF-style: chr16-68811767-A-G. GRCh37 (hg19) VCF-style: chr16-68845670-A-G.
Other names: c.916A>G, p.Ser306Gly (NM_001317184.2); c.-700A>G (NM_001317185.2); c.-904A>G (NM_001317186.2); c.916A>G (LRG_301t1); short protein forms S306G.
Identifiers: ClinVar variation 483252 (VCV000483252.15), dbSNP rs1555515624, ClinGen allele CA396459709.